The following is an entry in ClinVar:

NM_004260.4(RECQL4):c.685G>T (p.Gly229Cys)

Gene: RECQL4 (RecQ like helicase 4; minus strand). Cytogenetic location: 8q24.3.
Variant type: single nucleotide variant.
Coding change: c.685G>T on transcript NM_004260.4 (MANE Select); coding-DNA position 685, G replaced by T.
Protein change: p.Gly229Cys; replaces glycine 229 with cysteine.
Molecular consequence: missense variant.
Genome position (GRCh38, 1-based): chr8:144,516,434, C>A on the plus strand (G>T on the coding strand, the complement: RECQL4 is on the minus strand). VCF-style: chr8-144516434-C-A. GRCh37 (hg19) VCF-style: chr8-145741818-C-A.
Other names: c.685G>T (NM_004260.3); short protein forms G229C.
Identifiers: ClinVar variation 1058271 (VCV001058271.6), dbSNP rs374104402, ClinGen allele CA372689719.

ClinVar aggregate classification (germline): Uncertain significance. Review status: criteria provided, multiple submitters, no conflicts (2 of 4 stars). 2 submissions from 2 submitters: Uncertain significance (2). Last evaluated 2025-08-18.

Conditions:
Inborn genetic diseases. Identifiers: MedGen C0950123, MeSH D030342.
Baller-Gerold syndrome (BGS). Also called: CRANIOSYNOSTOSIS WITH RADIAL DEFECTS. Identifiers: Orphanet 1225, MedGen C0265308, MONDO:0009039, OMIM 218600.

Submissions (2):

Labcorp Genetics (formerly Invitae), Labcorp
Classification: Uncertain significance for Baller-Gerold syndrome. Last evaluated: 2025-08-18. Review status: criteria provided, single submitter. Criteria: Invitae Variant Classification Sherloc (09022015). Collection method: clinical testing. Allele origin: germline.
Comment: This sequence change replaces glycine, which is neutral and non-polar, with cysteine, which is neutral and slightly polar, at codon 229 of the RECQL4 protein (p.Gly229Cys). This variant is not present in population databases (gnomAD no frequency). This variant has not been reported in the literature in individuals affected with RECQL4-related conditions. ClinVar contains an entry for this variant (Variation ID: 1058271). Experimental studies and prediction algorithms are not available or were not evaluated, and the functional significance of this variant is currently unknown. Algorithms developed to predict the effect of sequence changes on RNA splicing suggest that this variant may create or strengthen a splice site. In summary, the available evidence is currently insufficient to determine the role of this variant in disease. Therefore, it has been classified as a Variant of Uncertain Significance.

Ambry Genetics
Classification: Uncertain significance for Inborn genetic diseases. Last evaluated: 2025-08-08. Review status: criteria provided, single submitter. Criteria: Ambry Variant Classification Scheme 2023. Collection method: clinical testing. Allele origin: germline.
Comment: The p.G229C variant (also known as c.685G>T), located in coding exon 5 of the RECQL4 gene, results from a G to T substitution at nucleotide position 685. The glycine at codon 229 is replaced by cysteine, an amino acid with highly dissimilar properties. This amino acid position is conserved. In addition, this alteration is predicted to be tolerated by in silico analysis. Based on the available evidence, the clinical significance of this variant remains unclear.